The following is an entry in ClinVar:

ClinVar aggregate classification (germline): Uncertain significance (1 of 4 stars; one submission).

Conditions:
Hereditary cancer-predisposing syndrome. Also called: Neoplastic Syndromes, Hereditary; Tumor predisposition; Hereditary Cancer Syndrome; Hereditary neoplastic syndrome. Identifiers: Orphanet 140162, MedGen C0027672, MeSH D009386, MONDO:0015356.

Submission:

Color Diagnostics, LLC DBA Color Health
Classification: Uncertain significance for Hereditary cancer-predisposing syndrome. Last evaluated: 2019-12-10. Review status: criteria provided, single submitter. Criteria: ACMG Guidelines, 2015. Collection method: clinical testing. Allele origin: germline.
Comment: This missense variant replaces threonine with serine at codon 164 of the BRCA1 protein. Computational prediction is inconclusive regarding the impact of this variant on protein structure and function (internally defined REVEL score threshold 0.5 < inconclusive < 0.7, PMID: 27666373). Splice site prediction tools suggest that this variant may not impact RNA splicing. To our knowledge, functional studies have not been performed for this variant. This variant has not been reported in individuals affected with hereditary cancer in the literature. This variant has not been identified in the general population by the Genome Aggregation Database (gnomAD). The available evidence is insufficient to determine the role of this variant in disease conclusively. Therefore, this variant is classified as a Variant of Uncertain Significance.

NM_007294.4(BRCA1):c.490A>T (p.Thr164Ser)

Gene: BRCA1 (BRCA1 DNA repair associated; minus strand). Cytogenetic location: 17q21.31.
Variant type: single nucleotide variant.
Coding change: c.490A>T on transcript NM_007294.4 (MANE Select); coding-DNA position 490, A replaced by T.
Protein change: p.Thr164Ser; replaces threonine 164 with serine.
Molecular consequence: missense variant. On other transcripts: non-coding transcript variant (1).
Genome position (GRCh38, 1-based): chr17:43,099,832, T>A on the plus strand (A>T on the coding strand, the complement: BRCA1 is on the minus strand). VCF-style: chr17-43099832-T-A. GRCh37 (hg19) VCF-style: chr17-41251849-T-A.
Other names: c.409A>T, p.Thr137Ser (NM_001407659.1, NM_001407660.1, NM_001407661.1 and 6 more transcripts); c.490A>T, p.Thr164Ser (NM_001407665.1, NM_001407666.1, NM_001407664.1 and 97 more transcripts); c.412A>T, p.Thr138Ser (NM_001407663.1, NM_001408409.1, NM_001408411.1 and 12 more transcripts); c.487A>T, p.Thr163Ser (NM_001407992.1, NM_001408392.1, NM_001408396.1 and 65 more transcripts); c.481A>T, p.Thr161Ser (NM_001408408.1, NM_001407646.1, NM_001407647.1); c.349A>T, p.Thr117Ser (NM_001408410.1, NM_001408452.1, NM_001408453.1 and 61 more transcripts); c.355A>T, p.Thr119Ser (NM_001408451.1); c.346A>T, p.Thr116Ser (NM_001408462.1, NM_001408463.1, NM_001408464.1 and 35 more transcripts); and 4 more; short protein forms T164S, T117S, T138S, T161S, T37S, T137S, T36S, T93S.
Identifiers: ClinVar variation 919922 (VCV000919922.4), dbSNP rs80357384, ClinGen allele CA10601160.